The following is an entry in ClinVar:

NM_001122764.3(PPOX):c.167T>G (p.Leu56Arg)

Gene: PPOX (protoporphyrinogen oxidase; plus strand). Cytogenetic location: 1q23.3.
Variant type: single nucleotide variant.
Coding change: c.167T>G on transcript NM_001122764.3 (MANE Select); coding-DNA position 167, T replaced by G.
Protein change: p.Leu56Arg; replaces leucine 56 with arginine.
Molecular consequence: missense variant. On other transcripts: 5 prime UTR variant (5).
Genome position (GRCh38, 1-based): chr1:161,167,179, T>G. VCF-style: chr1-161167179-T-G. GRCh37 (hg19) VCF-style: chr1-161136969-T-G.
Other names: c.167T>G, p.Leu56Arg (NM_000309.5, NM_001350128.2, NM_001365398.1 and 1 more transcripts); c.-261T>G (NM_001350129.2); c.-352T>G (NM_001350130.2); c.-238T>G (NM_001350131.2); c.-145T>G (NM_001365400.1); c.-204T>G (NM_001365401.1); short protein forms L56R.
Identifiers: ClinVar variation 4057170 (VCV004057170.1).

ClinVar aggregate classification (germline): Uncertain significance (1 of 4 stars; one submission).

Submission:

GeneDx
Classification: Uncertain significance. Last evaluated: 2025-01-12. Review status: criteria provided, single submitter. Criteria: GeneDx Variant Classification Process June 2021. Collection method: clinical testing. Allele origin: germline. Affected: yes.
Comment: Not observed at significant frequency in large population cohorts (gnomAD); In silico analysis indicates that this missense variant does not alter protein structure/function; Has not been previously published as pathogenic or benign to our knowledge